The following is an entry in ClinVar:

NM_001813.3(CENPE):c.6464T>A (p.Leu2155His)

Gene: CENPE (centromere protein E; minus strand). Cytogenetic location: 4q24.
Variant type: single nucleotide variant.
Coding change: c.6464T>A on transcript NM_001813.3 (MANE Select); coding-DNA position 6464, T replaced by A.
Protein change: p.Leu2155His; replaces leucine 2155 with histidine.
Molecular consequence: missense variant.
Genome position (GRCh38, 1-based): chr4:103,136,199, A>T on the plus strand (T>A on the coding strand, the complement: CENPE is on the minus strand). VCF-style: chr4-103136199-A-T. GRCh37 (hg19) VCF-style: chr4-104057356-A-T.
Other names: c.6101T>A, p.Leu2034His (NM_001286734.2); short protein forms L2034H, L2155H.
Identifiers: ClinVar variation 3364251 (VCV003364251.1).

ClinVar aggregate classification (germline): Uncertain significance (1 of 4 stars; one submission).

Submission:

GeneDx
Classification: Uncertain significance. Last evaluated: 2023-11-15. Review status: criteria provided, single submitter. Criteria: GeneDx Variant Classification Process June 2021. Collection method: clinical testing. Allele origin: germline. Affected: yes.
Comment: Not observed at significant frequency in large population cohorts (gnomAD); In silico analysis supports that this missense variant has a deleterious effect on protein structure/function; Has not been previously published as pathogenic or benign to our knowledge